The following is an entry in ClinVar:

ClinVar aggregate classification (germline): Pathogenic. Review status: criteria provided, multiple submitters, no conflicts (2 of 4 stars). 4 submissions from 4 submitters: Pathogenic (2). 2 of the submissions do not count toward it. Last evaluated 2023-02-19.

Conditions:
beta Thalassemia (BTHAL). Also called: Cooley's anemia; Erythroblastic anemia; Mediterranean anemia. Identifiers: Orphanet 848, MedGen C0005283, MONDO:0019402. Disease mechanism: loss of function.
Beta zero thalassemia. Identifiers: MedGen C0271980.

Submissions (4):

Women's Health and Genetics/Laboratory Corporation of America, LabCorp
Classification: Pathogenic for beta Thalassemia. Last evaluated: 2023-02-19. Review status: criteria provided, single submitter. Criteria: LabCorp Variant Classification Summary - May 2015. Collection method: clinical testing. Allele origin: germline.
Comment: Variant summary: HBB c.114_120delGACCCAG (p.Trp38X), also known as 37-39 (-7 bp), results in a premature termination codon, predicted to cause a truncation of the encoded protein or absence of the protein due to nonsense mediated decay, which are commonly known mechanisms for disease. Truncations downstream of this position have been classified as pathogenic by our laboratory. The variant was absent in 251392 control chromosomes (gnomAD). c.114_120delGACCCAG has been reported in the literature as a biallelic genotype in individuals affected with Beta Thalassemia (e.g. Schnee_1989, Vetter_1997). These data indicate that the variant is likely to be associated with disease. To our knowledge, no experimental evidence demonstrating an impact on protein function has been reported. Two ClinVar submitters have assessed the variant since 2014: both classified the variant as pathogenic. Based on the evidence outlined above, the variant was classified as pathogenic.

ARUP Laboratories, Molecular Genetics and Genomics, ARUP Laboratories
Classification: Pathogenic. Last evaluated: 2022-11-29. Review status: criteria provided, single submitter. Criteria: ARUP Molecular Germline Variant Investigation Process 2021. Collection method: clinical testing. Allele origin: germline.
Comment: The HBB c.114_120del; p.Trp38Ter variant (also known as Trp37Ter when numbered from the mature protein, rs63750099, HbVar ID: 842) is reported in the literature in individuals affected with beta(0)-thalassemia (Schnee 1989, Vetter 1997). This variant is also reported in ClinVar (Variation ID: 15427) but is absent from the Genome Aggregation Database, indicating it is not a common polymorphism. This variant induces an early termination codon and is predicted to result in a truncated protein or mRNA subject to nonsense-mediated decay. Based on available information, this variant is considered to be pathogenic. References: Link to HbVar database: Schnee J et al. Beta-thalassemia gene analysis in a Turkish family reveals a 7 BP deletion in the coding region. Blood. 1989 Jun;73(8):2224-5. PMID: 2730955. Vetter B et al. Beta-thalassaemia in the immigrant and non-immigrant German populations. Br J Haematol. 1997 May;97(2):266-72. PMID: 9163586.

The ITHANET community portal, The Cyprus Institute of Neurology and Genetics
Classification: Pathogenic for beta Thalassemia. Last evaluated: 2019-11-25. Review status: no assertion criteria provided. Collection method: curation. Allele origin: germline. Not counted in ClinVar's aggregate classification.

OMIM
Classification: Pathogenic for BETA-ZERO-THALASSEMIA. Last evaluated: 1989-06-01. Review status: no assertion criteria provided. Collection method: literature only. Allele origin: germline. Not counted in ClinVar's aggregate classification.

Literature cited by the submitters: PubMed 2730955 (cited by 3 submitters); PubMed 9163586 (cited by Women's Health and Genetics/Laboratory Corporation of America, LabCorp).

NM_000518.5(HBB):c.114_120del (p.Pro37_Trp38insTer)

Genes: HBB (hemoglobin subunit beta; minus strand), LOC106099062 (HBB recombination region; plus strand), LOC107133510 (origin of replication at HBB; plus strand). Cytogenetic location: 11p15.4.
Variant type: Deletion.
Coding change: c.114_120del on transcript NM_000518.5 (MANE Select); coding-DNA positions 114 to 120, 7 bases deleted (GACCCAG; older notation c.114_120delGACCCAG).
Protein change: p.Pro37_Trp38insTer.
Molecular consequence: nonsense.
Genome position (GRCh38, 1-based): chr11:5,226,772-5,226,778, CTGGGTC deleted on the plus strand (GACCCAG on the coding strand, the reverse complement: HBB is on the minus strand); deleting any 7 consecutive bases within chr11:5,226,772-5,226,779 gives the same sequence; the c. name uses the placement nearest the transcript's 3' end. VCF-style (leftmost placement, unchanged base first): chr11-5226771-TCTGGGTC-T. GRCh37 (hg19) VCF-style: chr11-5248001-TCTGGGTC-T.
Other names: CD 37-39 (-7 bp): (-GACCCAG); c.114_120delGACCCAG (NM_000518.4).
Identifiers: ClinVar variation 15427 (VCV000015427.7), dbSNP rs63750099, ClinGen allele CA125293.
Genomic context (GRCh38, chr11:5,226,771, plus strand): 5'-CCTTAGGGTTGCCCATAACAGCATCAGGAGTGGACAGATCCCCAAAGGACTCAAAGAACC[TCTGGGTC>T]CAAGGGTAGACCACCAGCAGCCTAAGGGTGGGAAAATAGACCAATAGGCAGAGAGAGTCA-3'